The following is an entry in ClinVar:

NM_005422.4(TECTA):c.5825A>G (p.Tyr1942Cys)

Genes: TBCEL-TECTA (TBCEL-TECTA readthrough; plus strand), TECTA (tectorin alpha; plus strand). Cytogenetic location: 11q23.3.
Variant type: single nucleotide variant.
Coding change: c.5825A>G on transcript NM_005422.4 (MANE Select); coding-DNA position 5825, A replaced by G.
Protein change: p.Tyr1942Cys; replaces tyrosine 1942 with cysteine.
Molecular consequence: missense variant.
Genome position (GRCh38, 1-based): chr11:121,168,751, A>G. VCF-style: chr11-121168751-A-G. GRCh37 (hg19) VCF-style: chr11-121039460-A-G.
Other names: c.6767A>G, p.Tyr2256Cys (NM_001378761.1); short protein forms Y2256C, Y1942C.
Identifiers: ClinVar variation 2821174 (VCV002821174.3), dbSNP rs373343675, ClinGen allele CA383036715.

ClinVar aggregate classification (germline): Uncertain significance (1 of 4 stars; one submission).

gnomAD v4.1: 1 of 1,614,204 alleles (0.000062%); highest among the groups gnomAD compares: Non-Finnish European, 0.000085%; no homozygotes.

Submission:

Labcorp Genetics (formerly Invitae), Labcorp
Classification: Uncertain significance. Last evaluated: 2022-12-21. Review status: criteria provided, single submitter. Criteria: Invitae Variant Classification Sherloc (09022015). Collection method: clinical testing. Allele origin: germline.
Comment: This sequence change replaces tyrosine, which is neutral and polar, with cysteine, which is neutral and slightly polar, at codon 1942 of the TECTA protein (p.Tyr1942Cys). In summary, the available evidence is currently insufficient to determine the role of this variant in disease. Therefore, it has been classified as a Variant of Uncertain Significance. Algorithms developed to predict the effect of missense changes on protein structure and function (SIFT, PolyPhen-2, Align-GVGD) all suggest that this variant is likely to be disruptive. This missense change has been observed in individual(s) with non-syndromic hearing loss (PMID: 34795337). This variant is not present in population databases (gnomAD no frequency).

Literature cited by the submitters: PubMed 34795337.